The following is an entry in ClinVar:

NM_000528.4(MAN2B1):c.1844C>T (p.Thr615Met)

Gene: MAN2B1 (mannosidase alpha class 2B member 1; minus strand). Cytogenetic location: 19p13.13.
Variant type: single nucleotide variant.
Coding change: c.1844C>T on transcript NM_000528.4 (MANE Select); coding-DNA position 1844, C replaced by T.
Protein change: p.Thr615Met; replaces threonine 615 with methionine.
Molecular consequence: missense variant.
Genome position (GRCh38, 1-based): chr19:12,652,447, G>A on the plus strand (C>T on the coding strand, the complement: MAN2B1 is on the minus strand). VCF-style: chr19-12652447-G-A. GRCh37 (hg19) VCF-style: chr19-12763261-G-A.
Other names: c.1841C>T, p.Thr614Met (NM_001173498.2); c.1844C>T (NM_000528.3); short protein forms T615M, T614M.
Identifiers: ClinVar variation 2141345 (VCV002141345.2), dbSNP rs140502524, ClinGen allele CA9226291.
Genomic context (GRCh38, chr19:12,652,447, plus strand): 5'-AGCAGGAGTTGCTGATTCATGTTCATAATCTCCATCAACAGCCCTGTGTCAGGATCAAAC[G>A]TTGCCCGGATGTGCTGGGCAGAAAAGGGTCCACAGATGGGTTTGTGTGTGTATGTGTGTG-3'
Protein context (NP_000519.2, residues 605-625): LTIENEHIRA[Thr615Met]FDPDTGLLME

ClinVar aggregate classification (germline): Uncertain significance. Review status: criteria provided, multiple submitters, no conflicts (2 of 4 stars). 2 submissions from 2 submitters: Uncertain significance (2). Last evaluated 2025-01-01.

Conditions:
Deficiency of alpha-mannosidase (MANSA). Also called: LYSOSOMAL ALPHA-D-MANNOSIDASE DEFICIENCY; Alpha-Mannosidosis; Mannosidosis, alpha-, types I and II. Identifiers: Orphanet 61, MedGen C0024748, MONDO:0009561, OMIM 248500.
Inborn genetic diseases. Identifiers: MedGen C0950123, MeSH D030342.

Allele frequency attached by ClinVar (database versions not stated): ExAC 0.00002; gnomAD 0.00003; gnomAD exomes 0.00004; TOPMed 0.00005; 1000 Genomes Project 30x 0.00016; 1000 Genomes Project 0.00020.
gnomAD v4.1: 66 of 1,613,966 alleles (0.0041%); highest among the groups gnomAD compares: Non-Finnish European, 0.0053%; no homozygotes.

Submissions (2):

Ambry Genetics
Classification: Uncertain significance for Inborn genetic diseases. Last evaluated: 2025-01-01. Review status: criteria provided, single submitter. Criteria: Ambry Variant Classification Scheme 2023. Collection method: clinical testing. Allele origin: germline.

Labcorp Genetics (formerly Invitae), Labcorp
Classification: Uncertain significance for Deficiency of alpha-mannosidase. Last evaluated: 2022-07-07. Review status: criteria provided, single submitter. Criteria: Invitae Variant Classification Sherloc (09022015). Collection method: clinical testing. Allele origin: germline.
Comment: This sequence change replaces threonine, which is neutral and polar, with methionine, which is neutral and non-polar, at codon 615 of the MAN2B1 protein (p.Thr615Met). This variant is present in population databases (rs140502524, gnomAD 0.004%). This variant has not been reported in the literature in individuals affected with MAN2B1-related conditions. Algorithms developed to predict the effect of missense changes on protein structure and function output the following: SIFT: "Tolerated"; PolyPhen-2: "Benign"; Align-GVGD: "Class C0". The methionine amino acid residue is found in multiple mammalian species, which suggests that this missense change does not adversely affect protein function. Algorithms developed to predict the effect of sequence changes on RNA splicing suggest that this variant may create or strengthen a splice site. In summary, the available evidence is currently insufficient to determine the role of this variant in disease. Therefore, it has been classified as a Variant of Uncertain Significance.